The following is an entry in ClinVar:

NM_000020.3(ACVRL1):c.913_916del (p.Ser305fs)

Gene: ACVRL1 (activin A receptor like type 1; plus strand). Cytogenetic location: 12q13.13.
Variant type: Deletion.
Coding change: c.913_916del on transcript NM_000020.3 (MANE Select); coding-DNA positions 913 to 916, 4 bases deleted (TCCG; older notation c.913_916delTCCG).
Protein change: p.Ser305fs; shifts the reading frame from serine 305.
Molecular consequence: frameshift variant.
Genome position (GRCh38, 1-based): chr12:51,915,365-51,915,368, TCCG deleted; deleting any 4 consecutive bases within chr12:51,915,364-51,915,368 gives the same sequence; the c. name uses the placement nearest the transcript's 3' end. VCF-style (leftmost placement, unchanged base first): chr12-51915363-TGTCC-T. GRCh37 (hg19) VCF-style: chr12-52309147-TGTCC-T.
Other names: c.913_916del, p.Ser305fs (NM_001077401.2, NM_001406487.1, NM_001406488.1 and 1 more transcripts); c.601_604del, p.Ser201fs (NM_001406490.1, NM_001406491.1, NM_001406492.1 and 2 more transcripts); c.349_352del, p.Ser117fs (NM_001406495.1); short protein forms S201fs, S305fs, S117fs.
Identifiers: ClinVar variation 2856667 (VCV002856667.3), dbSNP rs2540164448, ClinGen allele CA2739272049.

ClinVar aggregate classification (germline): Pathogenic (1 of 4 stars; one submission).

Conditions:
Telangiectasia, hereditary hemorrhagic, type 2 (HHT2). Also called: ACVRL1-Related Hereditary Hemorrhagic Telangiectasia; Telangiectasia, hereditary hemorrhagic, type II. Identifiers: Orphanet 774, MedGen C1838163, MONDO:0010880, OMIM 600376. Disease mechanism: loss of function.

Submission:

Labcorp Genetics (formerly Invitae), Labcorp
Classification: Pathogenic for Telangiectasia, hereditary hemorrhagic, type 2. Last evaluated: 2023-11-08. Review status: criteria provided, single submitter. Criteria: Invitae Variant Classification Sherloc (09022015). Collection method: clinical testing. Allele origin: germline.
Comment: This sequence change creates a premature translational stop signal (p.Ser305Argfs*48) in the ACVRL1 gene. It is expected to result in an absent or disrupted protein product. Loss-of-function variants in ACVRL1 are known to be pathogenic (PMID: 15879500). This variant is not present in population databases (gnomAD no frequency). This variant has not been reported in the literature in individuals affected with ACVRL1-related conditions. For these reasons, this variant has been classified as Pathogenic.

Literature cited by the submitters: PubMed 15879500.